The following is an entry in ClinVar:

NM_182961.4(SYNE1):c.4909G>A (p.Glu1637Lys)

Gene: SYNE1 (spectrin repeat containing nuclear envelope protein 1; minus strand). Cytogenetic location: 6q25.2.
Variant type: single nucleotide variant.
Coding change: c.4909G>A on transcript NM_182961.4 (MANE Select); coding-DNA position 4909, G replaced by A.
Protein change: p.Glu1637Lys; replaces glutamic acid 1637 with lysine.
Molecular consequence: missense variant.
Genome position (GRCh38, 1-based): chr6:152,428,272, C>T on the plus strand (G>A on the coding strand, the complement: SYNE1 is on the minus strand). VCF-style: chr6-152428272-C-T. GRCh37 (hg19) VCF-style: chr6-152749407-C-T.
Other names: c.4930G>A, p.Glu1644Lys (NM_033071.5); c.4930G>A (NM_033071.3); short protein forms E1644K, E1637K.
Identifiers: ClinVar variation 284030 (VCV000284030.13), dbSNP rs148885424, ClinGen allele CA4058429.

ClinVar aggregate classification (germline): Uncertain significance. Review status: criteria provided, multiple submitters, no conflicts (2 of 4 stars). 4 submissions from 4 submitters: Uncertain significance (4). Last evaluated 2025-05-09.

Conditions:
Autosomal recessive ataxia, Beauce type. Also called: Spinocerebellar ataxia, autosomal recessive 8; ATAXIA, RECESSIVE, OF BEAUCE; SYNE1-Related Autosomal Recessive Cerebellar Ataxia; SYNE1 Deficiency. Identifiers: Orphanet 88644, MedGen C1853116, MONDO:0012549, OMIM 610743.
Emery-Dreifuss muscular dystrophy 4, autosomal dominant (EDMD4). Also called: EMERY-DREIFUSS MUSCULAR DYSTROPHY 4 WITH VARIABLE FEATURES. Identifiers: Orphanet 261, MedGen C2751807, MONDO:0013071, OMIM 612998.

Allele frequency attached by ClinVar (database versions not stated): ExAC 0.00001; gnomAD exomes 0.00002; gnomAD 0.00003; TOPMed 0.00003; ESP Exome Variant Server 0.00008.
gnomAD v4.1: 51 of 1,613,994 alleles (0.0032%); highest among the groups gnomAD compares: Middle Eastern, 0.016%; no homozygotes.

Submissions (4):

GeneDx
Classification: Uncertain significance. Last evaluated: 2025-05-09. Review status: criteria provided, single submitter. Criteria: GeneDx Variant Classification Process June 2021. Collection method: clinical testing. Allele origin: germline. Affected: yes.
Comment: In silico analysis suggests that this missense variant does not alter protein structure/function; Has not been previously published as pathogenic or benign to our knowledge

Labcorp Genetics (formerly Invitae), Labcorp
Classification: Uncertain significance for Emery-Dreifuss muscular dystrophy 4, autosomal dominant; Autosomal recessive ataxia, Beauce type. Last evaluated: 2022-04-10. Review status: criteria provided, single submitter. Criteria: Invitae Variant Classification Sherloc (09022015). Collection method: clinical testing. Allele origin: germline.
Comment: In summary, the available evidence is currently insufficient to determine the role of this variant in disease. Therefore, it has been classified as a Variant of Uncertain Significance. Algorithms developed to predict the effect of missense changes on protein structure and function are either unavailable or do not agree on the potential impact of this missense change (SIFT: "Deleterious"; PolyPhen-2: "Benign"; Align-GVGD: "Class C0"). ClinVar contains an entry for this variant (Variation ID: 284030). This variant has not been reported in the literature in individuals affected with SYNE1-related conditions. This variant is present in population databases (rs148885424, gnomAD 0.01%). This sequence change replaces glutamic acid, which is acidic and polar, with lysine, which is basic and polar, at codon 1644 of the SYNE1 protein (p.Glu1644Lys).

Revvity Omics, Revvity
Classification: Uncertain significance. Last evaluated: 2021-11-17. Review status: criteria provided, single submitter. Criteria: ACMG Guidelines, 2015. Collection method: clinical testing. Allele origin: germline.

Eurofins Ntd Llc (ga)
Classification: Uncertain significance. Last evaluated: 2015-11-11. Review status: criteria provided, single submitter. Criteria: EGL Classification Definitions 2015. Collection method: clinical testing. Allele origin: germline. Observed: 1 variant allele, 1 heterozygote.